The following is an entry in ClinVar:

ClinVar aggregate classification (germline): Conflicting classifications of pathogenicity. Review status: criteria provided, conflicting classifications (1 of 4 stars). 2 submissions from 2 submitters: Uncertain significance (1); Likely benign (1). Last evaluated 2023-03-24.

Conditions:
Inborn genetic diseases. Identifiers: MedGen C0950123, MeSH D030342.
Hepatic veno-occlusive disease-immunodeficiency syndrome. Also called: Hepatic Veno-Occlusive Disease with Immunodeficiency. Identifiers: Orphanet 79124, MedGen C1856128, MONDO:0009338, OMIM 235550. Disease mechanism: loss of function.

Allele frequency attached by ClinVar (database versions not stated): gnomAD exomes below 0.00001 and 0.00001; ExAC 0.00001; ESP Exome Variant Server 0.00008.
gnomAD v4.1: 17 of 1,613,676 alleles (0.0011%); highest among the groups gnomAD compares: Non-Finnish European, 0.0014%; no homozygotes.

Submissions (2):

Ambry Genetics
Classification: Likely benign for Inborn genetic diseases. Last evaluated: 2023-03-24. Review status: criteria provided, single submitter. Criteria: Ambry Variant Classification Scheme 2023. Collection method: clinical testing. Allele origin: germline.

Labcorp Genetics (formerly Invitae), Labcorp
Classification: Uncertain significance for Hepatic veno-occlusive disease-immunodeficiency syndrome. Last evaluated: 2022-10-16. Review status: criteria provided, single submitter. Criteria: Invitae Variant Classification Sherloc (09022015). Collection method: clinical testing. Allele origin: germline.
Comment: In summary, the available evidence is currently insufficient to determine the role of this variant in disease. Therefore, it has been classified as a Variant of Uncertain Significance. Algorithms developed to predict the effect of missense changes on protein structure and function output the following: SIFT: "Tolerated"; PolyPhen-2: "Benign"; Align-GVGD: "Class C0". The serine amino acid residue is found in multiple mammalian species, which suggests that this missense change does not adversely affect protein function. ClinVar contains an entry for this variant (Variation ID: 1409319). This variant has not been reported in the literature in individuals affected with SP110-related conditions. This variant is present in population databases (rs147011203, gnomAD 0.0009%). This sequence change replaces asparagine, which is neutral and polar, with serine, which is neutral and polar, at codon 681 of the SP110 protein (p.Asn681Ser).

NM_080424.4(SP110):c.2114A>G (p.Asn705Ser)

Gene: SP110 (SP110 nuclear body protein; minus strand). Cytogenetic location: 2q37.1.
Variant type: single nucleotide variant.
Coding change: c.2114A>G on transcript NM_080424.4 (MANE Select); coding-DNA position 2114, A replaced by G.
Protein change: p.Asn705Ser; replaces asparagine 705 with serine.
Molecular consequence: missense variant.
Genome position (GRCh38, 1-based): chr2:230,169,152, T>C on the plus strand (A>G on the coding strand, the complement: SP110 is on the minus strand). VCF-style: chr2-230169152-T-C. GRCh37 (hg19) VCF-style: chr2-231033868-T-C.
Other names: c.2210A>G, p.Asn737Ser (NM_001378442.1); c.2192A>G, p.Asn731Ser (NM_001378443.1); c.2132A>G, p.Asn711Ser (NM_001378444.1); c.2060A>G, p.Asn687Ser (NM_001378445.1); c.1919A>G, p.Asn640Ser (NM_001378446.1); c.2042A>G, p.Asn681Ser (NM_004509.5); c.2042A>G (NM_004509.3); short protein forms N681S, N737S, N705S, N711S, N731S, N640S, N687S.
Identifiers: ClinVar variation 1409319 (VCV001409319.9), dbSNP rs147011203, ClinGen allele CA2154237.
Genomic context (GRCh38, chr2:230,169,152, plus strand): 5'-GGTGGGGATGCTTCAGTCTTTACAGAACAGGGTCAAGGAAGAGTCCAGAAACCGCCGTCA[T>C]TGGCTTCATGAAAACCGAGCACGTCTTTGAGATCTTTTTCAAATTCTGCCTCTAAGTCAA-3'
Protein context (NP_536349.3, residues 695-713): LKDVLGFHEA[Asn705Ser]DGGFWTLP